The following is an entry in ClinVar:

NM_014669.5(NUP93):c.*21C>G

Gene: NUP93 (nucleoporin 93; plus strand). Cytogenetic location: 16q13.
Variant type: single nucleotide variant.
Coding change: c.*21C>G on transcript NM_014669.5 (MANE Select); 21 bases downstream of the stop codon, C replaced by G.
Molecular consequence: 3 prime UTR variant.
Genome position (GRCh38, 1-based): chr16:56,844,630, C>G. VCF-style: chr16-56844630-C-G. GRCh37 (hg19) VCF-style: chr16-56878542-C-G.
Other names: c.*21C>G (NM_001242795.2, NM_001242796.2).
Identifiers: ClinVar variation 1240841 (VCV001240841.26), dbSNP rs117653420, ClinGen allele CA8068814.
Genomic context (GRCh38, chr16:56,844,630, plus strand): 5'-CAATGCGAGGCTGGTGCAGATGGAGGTCCTCATGAATTAAGTGCCATGCTTTGTGGGAGT[C>G]TGGGTCGGCACACTGTCAGTACATCAGGCACATGGGCCCACTAGGCTGGGGTTTCTGGTT-3'

ClinVar aggregate classification (germline): Benign. Review status: criteria provided, multiple submitters, no conflicts (2 of 4 stars). 2 submissions from 2 submitters: Benign (2). Last evaluated 2025-08-01.

Allele frequency attached by ClinVar (database versions not stated): 1000 Genomes Project 30x 0.00562; 1000 Genomes Project 0.00639; TOPMed 0.00642; ESP Exome Variant Server 0.00769; gnomAD 0.01109 and 0.01148; gnomAD exomes 0.01119 and 0.01254; ExAC 0.01237.
gnomAD v4.1: 17,168 of 1,543,632 alleles (1.1%); highest among the groups gnomAD compares: Non-Finnish European, 1.1%; 212 homozygotes.

Submissions (2):

CeGaT Center for Human Genetics Tuebingen
Classification: Benign. Last evaluated: 2025-08-01. Review status: criteria provided, single submitter. Criteria: CeGaT Center For Human Genetics Tuebingen Variant Classification Criteria Version 2. Collection method: clinical testing. Allele origin: germline. Affected: yes. Observed: 4 variant alleles.
Comment: NUP93: BS1, BS2

GeneDx
Classification: Benign. Last evaluated: 2020-10-11. Review status: criteria provided, single submitter. Criteria: GeneDx Variant Classification Process June 2021. Collection method: clinical testing. Allele origin: germline. Affected: yes.